The following is an entry in ClinVar:

ClinVar aggregate classification (germline): Uncertain significance (1 of 4 stars; one submission).

Conditions:
EHHADH-related disorder. Also called: EHHADH-related condition.

gnomAD v4.1: 7 of 1,551,236 alleles (0.00045%); highest among the groups gnomAD compares: Non-Finnish European, 0.00052%; no homozygotes.

Submission:

PreventionGenetics, part of Exact Sciences
Classification: Uncertain significance for EHHADH-related condition. Last evaluated: 2025-05-25. Review status: criteria provided, single submitter. Criteria: ACMG Guidelines, 2015. Collection method: clinical testing. Allele origin: germline.
Comment: The EHHADH c.352-2A>G variant is predicted to disrupt the AG splice acceptor site and interfere with normal splicing. To our knowledge, this variant has not been reported in the literature or in a large population database (gnomAD), indicating this variant is rare. At this time, the clinical significance of this variant is uncertain due to the absence of conclusive functional and genetic evidence.

NM_001966.4(EHHADH):c.352-2A>G

Gene: EHHADH (enoyl-CoA hydratase and 3-hydroxyacyl CoA dehydrogenase; minus strand). Cytogenetic location: 3q27.2.
Variant type: single nucleotide variant.
Coding change: c.352-2A>G on transcript NM_001966.4 (MANE Select); the canonical splice acceptor site of the intron before coding-DNA position 352, A replaced by G.
Molecular consequence: splice acceptor variant.
Genome position (GRCh38, 1-based): chr3:185,229,545, T>C on the plus strand (A>G on the coding strand, the complement: EHHADH is on the minus strand). VCF-style: chr3-185229545-T-C. GRCh37 (hg19) VCF-style: chr3-184947333-T-C.
Other names: c.64-2A>G (NM_001166415.2).
Identifiers: ClinVar variation 4990804 (VCV004990804.1).